The following is an entry in ClinVar:

NM_003321.5(TUFM):c.48C>G (p.Phe16Leu)

Genes: TUFM (Tu translation elongation factor, mitochondrial; minus strand), LOC130058735 (ATAC-STARR-seq lymphoblastoid active region 10645; plus strand). Cytogenetic location: 16p11.2.
Variant type: single nucleotide variant.
Coding change: c.48C>G on transcript NM_003321.5 (MANE Select); coding-DNA position 48, C replaced by G.
Protein change: p.Phe16Leu; replaces phenylalanine 16 with leucine.
Molecular consequence: missense variant.
Genome position (GRCh38, 1-based): chr16:28,846,222, G>C on the plus strand (C>G on the coding strand, the complement: TUFM is on the minus strand). VCF-style: chr16-28846222-G-C. GRCh37 (hg19) VCF-style: chr16-28857543-G-C.
Other names: c.48C>G, p.Phe16Leu (NM_001365360.2); short protein forms F16L.
Identifiers: ClinVar variation 4074433 (VCV004074433.1).
Genomic context (GRCh38, chr16:28,846,222, plus strand): 5'-ACCTACCACTCCCCCAAAGTGTTCCTGGGCCGCCATCGCCCTCCCTGACCACTCACCGCT[G>C]AAGTGGGGCGTCGCGCGCAGCAGGGTGGCGGCCGCCATTGTGGTCATACTCGCGCCCCGG-3'
Protein context (NP_003312.3, residues 6-26): AATLLRATPH[Phe16Leu]SGLAAGRTFL

ClinVar aggregate classification (germline): Uncertain significance (1 of 4 stars; one submission).

gnomAD v4.1: 19 of 1,577,032 alleles (0.0012%); highest among the groups gnomAD compares: South Asian, 0.02%; no homozygotes.

Submission:

GeneDx
Classification: Uncertain significance. Last evaluated: 2025-02-11. Review status: criteria provided, single submitter. Criteria: GeneDx Variant Classification Process June 2021. Collection method: clinical testing. Allele origin: germline. Affected: yes.
Comment: In silico analysis indicates that this missense variant does not alter protein structure/function; Has not been previously published as pathogenic or benign to our knowledge